The following is an entry in ClinVar:

ClinVar aggregate classification (germline): Likely pathogenic (1 of 4 stars; one submission).

Conditions:
Arrhythmogenic right ventricular dysplasia 8 (ARVD8). Also called: Arrhythmogenic Right Ventricular Dysplasia/Cardiomyopathy 8; ARRHYTHMOGENIC RIGHT VENTRICULAR DYSPLASIA, FAMILIAL, 8; ARRHYTHMOGENIC RIGHT VENTRICULAR CARDIOMYOPATHY 8. Identifiers: MedGen C1843896, MONDO:0011831, OMIM 607450.

Submission:

Molecular Genetics Laboratory, Motol Hospital
Classification: Likely pathogenic for Arrhythmogenic right ventricular dysplasia 8. Last evaluated: 2026-05-29. Review status: criteria provided, single submitter. Criteria: ACMG Guidelines, 2015. Collection method: clinical testing. Allele origin: germline. Inheritance: Sporadic. Affected: yes. Observed: 1 variant allele, 1 heterozygote.
Comment: Rare variant not present in non-Finnish European population (gnomAD v4.1.1) (PM2). Rare truncating variants in the DSP gene are associated with multiple conditions including autosomal dominant arrhytmogenic cardiomyopathy (PVS1). The variant c.3550del is classified as likely pathogenic.

Literature cited by the submitters: PubMed 32372669.

NM_004415.4(DSP):c.3550del (p.Arg1184fs)

Gene: DSP (desmoplakin; plus strand). Cytogenetic location: 6p24.3.
Variant type: Deletion.
Coding change: c.3550del on transcript NM_004415.4 (MANE Select); coding-DNA position 3550, one base deleted (C; older notation c.3550delC).
Protein change: p.Arg1184fs; shifts the reading frame from arginine 1184.
Molecular consequence: frameshift variant.
Genome position (GRCh38, 1-based): chr6:7,579,740, C deleted; the last of 3 consecutive C bases (chr6:7,579,738-7,579,740); deleting any one gives the same sequence. VCF-style (leftmost placement, unchanged base first): chr6-7579737-AC-A. GRCh37 (hg19) VCF-style: chr6-7579970-AC-A.
Other names: c.3550del, p.Arg1184fs (NM_001008844.3, NM_001319034.2); short protein forms R1184fs.
Identifiers: ClinVar variation 4852584 (VCV004852584.1).